The following is an entry in ClinVar:

NM_004793.4(LONP1):c.2465G>C (p.Arg822Thr)

Gene: LONP1 (lon peptidase 1, mitochondrial; minus strand). Cytogenetic location: 19p13.3.
Variant type: single nucleotide variant.
Coding change: c.2465G>C on transcript NM_004793.4 (MANE Select); coding-DNA position 2465, G replaced by C.
Protein change: p.Arg822Thr; replaces arginine 822 with threonine.
Molecular consequence: missense variant. On other transcripts: non-coding transcript variant (1).
Genome position (GRCh38, 1-based): chr19:5,693,625, C>G on the plus strand (G>C on the coding strand, the complement: LONP1 is on the minus strand). VCF-style: chr19-5693625-C-G. GRCh37 (hg19) VCF-style: chr19-5693636-C-G.
Other names: c.2273G>C, p.Arg758Thr (NM_001276479.2); c.1877G>C, p.Arg626Thr (NM_001276480.1); short protein forms R758T, R626T, R822T.
Identifiers: ClinVar variation 3639513 (VCV003639513.2).

ClinVar aggregate classification (germline): Uncertain significance (1 of 4 stars; one submission).

gnomAD v4.1: 3 of 1,614,114 alleles (0.00019%); highest among the groups gnomAD compares: South Asian, 0.0011%; no homozygotes.

Submission:

Labcorp Genetics (formerly Invitae), Labcorp
Classification: Uncertain significance. Last evaluated: 2024-02-07. Review status: criteria provided, single submitter. Criteria: Invitae Variant Classification Sherloc (09022015). Collection method: clinical testing. Allele origin: germline.
Comment: This sequence change replaces arginine, which is basic and polar, with threonine, which is neutral and polar, at codon 822 of the LONP1 protein (p.Arg822Thr). This variant is not present in population databases (gnomAD no frequency). This variant has not been reported in the literature in individuals affected with LONP1-related conditions. Advanced modeling of protein sequence and biophysical properties (such as structural, functional, and spatial information, amino acid conservation, physicochemical variation, residue mobility, and thermodynamic stability) performed at Invitae indicates that this missense variant is not expected to disrupt LONP1 protein function with a negative predictive value of 80%. In summary, the available evidence is currently insufficient to determine the role of this variant in disease. Therefore, it has been classified as a Variant of Uncertain Significance.